The following is an entry in ClinVar:

ClinVar aggregate classification (germline): Uncertain significance (1 of 4 stars; one submission).

Allele frequency attached by ClinVar (database versions not stated): gnomAD exomes 0.00001.

Submission:

Labcorp Genetics (formerly Invitae), Labcorp
Classification: Uncertain significance. Last evaluated: 2019-12-14. Review status: criteria provided, single submitter. Criteria: Invitae Variant Classification Sherloc (09022015). Collection method: clinical testing. Allele origin: germline.
Comment: This variant has not been reported in the literature in individuals with COL2A1-related conditions. This variant is not present in population databases (ExAC no frequency). This sequence change replaces arginine with lysine at codon 629 of the COL2A1 protein (p.Arg629Lys). The arginine residue is highly conserved and there is a small physicochemical difference between arginine and lysine. Algorithms developed to predict the effect of missense changes on protein structure and function are either unavailable or do not agree on the potential impact of this missense change (SIFT: "Deleterious"; PolyPhen-2: "Benign"; Align-GVGD: "Class C25"). In summary, the available evidence is currently insufficient to determine the role of this variant in disease. Therefore, it has been classified as a Variant of Uncertain Significance. Algorithms developed to predict the effect of sequence changes on RNA splicing suggest that this variant may create or strengthen a splice site, but this prediction has not been confirmed by published transcriptional studies.

NM_001844.5(COL2A1):c.1886G>A (p.Arg629Lys)

Gene: COL2A1 (collagen type II alpha 1 chain; minus strand). Cytogenetic location: 12q13.11.
Variant type: single nucleotide variant.
Coding change: c.1886G>A on transcript NM_001844.5 (MANE Select); coding-DNA position 1886, G replaced by A.
Protein change: p.Arg629Lys; replaces arginine 629 with lysine.
Molecular consequence: missense variant.
Genome position (GRCh38, 1-based): chr12:47,984,547, C>T on the plus strand (G>A on the coding strand, the complement: COL2A1 is on the minus strand). VCF-style: chr12-47984547-C-T. GRCh37 (hg19) VCF-style: chr12-48378330-C-T.
Other names: c.1679G>A, p.Arg560Lys (NM_033150.3); short protein forms R629K, R560K.
Identifiers: ClinVar variation 856500 (VCV000856500.10), dbSNP rs1939280357, ClinGen allele CA384549285.